The following is an entry in ClinVar:

ClinVar aggregate classification (germline): Conflicting classifications of pathogenicity. Review status: criteria provided, conflicting classifications (1 of 4 stars). 3 submissions from 3 submitters: Uncertain significance (2); Likely benign (1). Last evaluated 2026-05-11.

Conditions:
ATP8B1-related disorder. Also called: ATP8B1-related disorders; ATP8B1-related condition.
Familial intrahepatic cholestasis. Identifiers: Orphanet 284385, MedGen CN296401, MONDO:0017290.

Allele frequency attached by ClinVar (database versions not stated): TOPMed 0.00016; gnomAD 0.00023; gnomAD exomes 0.00026; ExAC 0.00027; 1000 Genomes Project 30x 0.00094; 1000 Genomes Project 0.00100.
gnomAD v4.1: 416 of 1,614,072 alleles (0.026%); highest among the groups gnomAD compares: East Asian, 0.8%; 7 homozygotes.

Submissions (3):

PreventionGenetics, part of Exact Sciences
Classification: Uncertain significance for ATP8B1-related condition. Last evaluated: 2026-05-11. Review status: criteria provided, single submitter. Criteria: ACMG Guidelines, 2015. Collection method: clinical testing. Allele origin: germline.
Comment: The ATP8B1 c.1151G>A variant is predicted to result in the amino acid substitution p.Arg384His. This variant has been reported in two individuals with intrahepatic cholestasis of pregnancy, one with neonatal cholestasis, and one with gallstone disease (Zöllner et al. 2023. PubMed ID: 37208429; Huynh et al. 2019. PubMed ID: 31538484; Table S1 in Hahn. et al. 2024. PubMed ID: 38323732). In addition, it has been observed in several individuals tested for cholestatic liver disease at PreventionGenetics (internal data). This variant is reported in 0.32% of alleles in individuals of East Asian descent in gnomAD v2. However, in gnomAD v4 (available only on GRCh38), this variant is reported in 0.8% of alleles in that subpopulation, including 7 homozygotes, which is likely too common for a highly penetrant pathogenic variant. At this time, the clinical significance of this variant is uncertain due to the absence of conclusive functional and genetic evidence.

Genomenon, Inc
Classification: Likely benign for Familial intrahepatic cholestasis. Last evaluated: 2026-04-14. Review status: criteria provided, single submitter. Criteria: Genomenon Sequence Variant Interpretation Standards - Updated. Collection method: curation. Allele origin: germline. Affected: no.
Comment: ATP8B1 p.Arg384His (c.1151G>A) is a missense variant that changes the amino acid at residue 384 from Arginine to Histidine. This variant has been reported in the published literature (PMID:37208429;31538484;27323140). This variant’s allele frequency in gnomAD is greater than expected for this disorder. In conclusion, we classify ATP8B1 p.Arg384His (c.1151G>A) as a likely benign variant.

Women's Health and Genetics/Laboratory Corporation of America, LabCorp
Classification: Uncertain significance. Last evaluated: 2023-05-19. Review status: criteria provided, single submitter. Criteria: LabCorp Variant Classification Summary - May 2015. Collection method: clinical testing. Allele origin: germline.
Comment: Variant summary: ATP8B1 c.1151G>A (p.Arg384His) results in a non-conservative amino acid change located in the P-type ATPase, C-terminal (IPR032630) of the encoded protein sequence. Four of five in-silico tools predict a damaging effect of the variant on protein function. The variant allele was found at a frequency of 0.00027 in 251422 control chromosomes (gnomAD). This frequency is not significantly higher than estimated for a pathogenic variant in ATP8B1 causing Familial Intrahepatic Cholestasis (0.00027 vs 0.0022), allowing no conclusion about variant significance. c.1151G>A has been reported in the literature in a heterozygous individual affected with intrahepatic cholestasis of pregnancy without strong evidence of causality and without a second variant identified (Huynh_2019). This report does not provide unequivocal conclusions about association of the variant with Familial Intrahepatic Cholestasis. To our knowledge, no experimental evidence demonstrating an impact on protein function has been reported. The following publication has been ascertained in the context of this evaluation (PMID: 31538484). No clinical diagnostic laboratories have submitted clinical-significance assessments for this variant to ClinVar after 2014. Based on the evidence outlined above, the variant was classified as uncertain significance.

Literature cited by the submitters: PubMed 37208429 (cited by Genomenon, Inc); PubMed 31538484 (cited by Genomenon, Inc and Women's Health and Genetics/Laboratory Corporation of America, LabCorp); PubMed 27323140 (cited by Genomenon, Inc).

NM_001374385.1(ATP8B1):c.1151G>A (p.Arg384His)

Gene: ATP8B1 (ATPase phospholipid transporting 8B1; minus strand). Cytogenetic location: 18q21.31.
Variant type: single nucleotide variant.
Coding change: c.1151G>A on transcript NM_001374385.1 (MANE Select); coding-DNA position 1151, G replaced by A.
Protein change: p.Arg384His; replaces arginine 384 with histidine.
Molecular consequence: missense variant.
Genome position (GRCh38, 1-based): chr18:57,691,876, C>T on the plus strand (G>A on the coding strand, the complement: ATP8B1 is on the minus strand). VCF-style: chr18-57691876-C-T. GRCh37 (hg19) VCF-style: chr18-55359108-C-T.
Other names: c.1001G>A, p.Arg334His (NM_001374386.1); c.1151G>A, p.Arg384His (NM_005603.6); short protein forms R334H, R384H.
Identifiers: ClinVar variation 2506319 (VCV002506319.5), dbSNP rs2271260, ClinGen allele CA8974647.